The following is an entry in ClinVar:

ClinVar aggregate classification (germline): Uncertain significance (1 of 4 stars; one submission).

Conditions:
Duchenne muscular dystrophy (DMD). Also called: MUSCULAR DYSTROPHY, PSEUDOHYPERTROPHIC PROGRESSIVE, DUCHENNE TYPE; Duchenne Muscular Dystrophy (DMD). Identifiers: Orphanet 98896, MedGen C0013264, MONDO:0010679, OMIM 310200.

Submission:

Labcorp Genetics (formerly Invitae), Labcorp
Classification: Uncertain significance for Duchenne muscular dystrophy. Last evaluated: 2022-09-22. Review status: criteria provided, single submitter. Criteria: Invitae Variant Classification Sherloc (09022015). Collection method: clinical testing. Allele origin: germline.
Comment: This sequence change replaces glutamine, which is neutral and polar, with glutamic acid, which is acidic and polar, at codon 190 of the DMD protein (p.Gln190Glu). This variant is not present in population databases (gnomAD no frequency). This variant has not been reported in the literature in individuals affected with DMD-related conditions. Advanced modeling of protein sequence and biophysical properties (such as structural, functional, and spatial information, amino acid conservation, physicochemical variation, residue mobility, and thermodynamic stability) performed at Invitae indicates that this missense variant is not expected to disrupt DMD protein function. In summary, the available evidence is currently insufficient to determine the role of this variant in disease. Therefore, it has been classified as a Variant of Uncertain Significance.

NM_004006.3(DMD):c.568C>G (p.Gln190Glu)

Gene: DMD (dystrophin; minus strand). Cytogenetic location: Xp21.1.
Variant type: single nucleotide variant.
Coding change: c.568C>G on transcript NM_004006.3 (MANE Select); coding-DNA position 568, C replaced by G.
Protein change: p.Gln190Glu; replaces glutamine 190 with glutamic acid.
Molecular consequence: missense variant.
Genome position (GRCh38, 1-based): chrX:32,809,574, G>C on the plus strand (C>G on the coding strand, the complement: DMD is on the minus strand). VCF-style: chrX-32809574-G-C. GRCh37 (hg19) VCF-style: chrX-32827691-G-C.
Other names: c.544C>G, p.Gln182Glu (NM_000109.4); c.556C>G, p.Gln186Glu (NM_004009.3); c.199C>G, p.Gln67Glu (NM_004010.3); short protein forms Q186E, Q67E, Q182E, Q190E.
Identifiers: ClinVar variation 2046864 (VCV002046864.1), dbSNP rs2148751523, ClinGen allele CA412673925.